The following is an entry in ClinVar:

NM_004360.5(CDH1):c.843G>A (p.Val281=)

Gene: CDH1 (cadherin 1; plus strand). Cytogenetic location: 16q22.1.
Variant type: single nucleotide variant.
Coding change: c.843G>A on transcript NM_004360.5 (MANE Select); coding-DNA position 843, G replaced by A.
Protein change: p.Val281=; no amino-acid change (valine 281 retained).
Molecular consequence: synonymous variant. On other transcripts: 5 prime UTR variant (2).
Genome position (GRCh38, 1-based): chr16:68,811,694, G>A. VCF-style: chr16-68811694-G-A. GRCh37 (hg19) VCF-style: chr16-68845597-G-A.
Other names: c.843G>A, p.Val281= (NM_001317184.2); c.-773G>A (NM_001317185.2); c.-977G>A (NM_001317186.2).
Identifiers: ClinVar variation 3378774 (VCV003378774.1).

ClinVar aggregate classification (germline): Benign (1 of 4 stars; one submission).

Conditions:
Hereditary diffuse gastric adenocarcinoma (HDGC). Also called: DIFFUSE GASTRIC AND LOBULAR BREAST CANCER SYNDROME. Identifiers: Orphanet 26106, MedGen C1708349, MONDO:0007648, OMIM 137215.

Submission:

Myriad Genetics, Inc.
Classification: Benign for Hereditary diffuse gastric adenocarcinoma. Last evaluated: 2024-09-16. Review status: criteria provided, single submitter. Criteria: Myriad Autosomal Dominant, Autosomal Recessive and X-Linked Classification Criteria (2023). Collection method: clinical testing. Allele origin: unknown.
Comment: This variant is considered benign. This variant is a silent/synonymous amino acid change and it is not expected to impact splicing.